The following is an entry in ClinVar:

NM_001283009.2(RTEL1):c.652C>G (p.Gln218Glu)

Genes: RTEL1 (regulator of telomere elongation helicase 1; plus strand), RTEL1-TNFRSF6B (RTEL1-TNFRSF6B readthrough (NMD candidate); plus strand). Cytogenetic location: 20q13.33.
Variant type: single nucleotide variant.
Coding change: c.652C>G on transcript NM_001283009.2 (MANE Select); coding-DNA position 652, C replaced by G.
Protein change: p.Gln218Glu; replaces glutamine 218 with glutamic acid.
Molecular consequence: missense variant. On other transcripts: non-coding transcript variant (1), 5 prime UTR variant (1).
Genome position (GRCh38, 1-based): chr20:63,667,506, C>G. VCF-style: chr20-63667506-C-G. GRCh37 (hg19) VCF-style: chr20-62298859-C-G.
Other names: c.724C>G (NM_032957.4); c.-18C>G (NM_001283010.1); c.652C>G, p.Gln218Glu (NM_016434.4); c.724C>G, p.Gln242Glu (NM_032957.5); short protein forms Q218E, Q242E.
Identifiers: ClinVar variation 4863570 (VCV004863570.2).

ClinVar aggregate classification (germline): Uncertain significance. Review status: criteria provided, multiple submitters, no conflicts (2 of 4 stars). 2 submissions from 2 submitters: Uncertain significance (2). Last evaluated 2026-04-24.

Conditions:
RTEL1-related disorder. Also called: RTEL1-related disorders; RTEL1-related condition.
Inborn genetic diseases. Identifiers: MedGen C0950123, MeSH D030342.

Submissions (2):

Ambry Genetics
Classification: Uncertain significance for Inborn genetic diseases. Last evaluated: 2026-04-24. Review status: criteria provided, single submitter. Criteria: Ambry Variant Classification Scheme 2023. Collection method: clinical testing. Allele origin: germline.
Comment: The p.Q218E variant (also known as c.652C>G), located in coding exon 7 of the RTEL1 gene, results from a C to G substitution at nucleotide position 652. The glutamine at codon 218 is replaced by glutamic acid, an amino acid with highly similar properties. This amino acid position is conserved. In addition, this alteration is predicted to be tolerated by in silico analysis. Based on the available evidence, the clinical significance of this variant remains unclear.

PreventionGenetics, part of Exact Sciences
Classification: Uncertain significance for RTEL1-related condition. Last evaluated: 2025-10-20. Review status: criteria provided, single submitter. Criteria: ACMG Guidelines, 2015. Collection method: clinical testing. Allele origin: germline.
Comment: The RTEL1 c.724C>G variant is predicted to result in the amino acid substitution p.Gln242Glu. To our knowledge, this variant has not been reported in the literature or in a large population database (gnomAD), indicating this variant is rare. At this time, the clinical significance of this variant is uncertain due to the absence of conclusive functional and genetic evidence.